The following is an entry in ClinVar:

ClinVar aggregate classification (germline): Benign (1 of 4 stars; one submission).

gnomAD v4.1: 21,374 of 1,613,878 alleles (1.3%); highest among the groups gnomAD compares: Non-Finnish European, 1.3%; 355 homozygotes.

Submission:

CeGaT Center for Human Genetics Tuebingen
Classification: Benign. Last evaluated: 2024-11-01. Review status: criteria provided, single submitter. Criteria: CeGaT Center For Human Genetics Tuebingen Variant Classification Criteria Version 2. Collection method: clinical testing. Allele origin: germline. Affected: yes. Observed: 1 variant allele.
Comment: MEIOC: BP4, BS1, BS2

NM_001145080.3(MEIOC):c.1901A>G (p.Tyr634Cys)

Gene: MEIOC (meiosis specific with coiled-coil domain; plus strand). Cytogenetic location: 17q21.31.
Variant type: single nucleotide variant.
Coding change: c.1901A>G on transcript NM_001145080.3 (MANE Select); coding-DNA position 1901, A replaced by G.
Protein change: p.Tyr634Cys; replaces tyrosine 634 with cysteine.
Molecular consequence: missense variant.
Genome position (GRCh38, 1-based): chr17:44,667,812, A>G. VCF-style: chr17-44667812-A-G. GRCh37 (hg19) VCF-style: chr17-42745180-A-G.
Other names: short protein forms Y634C.
Identifiers: ClinVar variation 3387873 (VCV003387873.14).
Genomic context (GRCh38, chr17:44,667,812, plus strand): 5'-GTGGACATTATGATCCTGAGGAAGGTCCAAAGCATTTAGATGGCTTATCACAAAATACAT[A>G]CCAAGATCTACTGGAGTCACAGGGTCATTCTAATAGCCACAGAACGAGAGGTGGAGACAA-3'
Protein context (NP_001138552.2, residues 624-644): KHLDGLSQNT[Tyr634Cys]QDLLESQGHS